The following is an entry in ClinVar:

NM_016247.4(IMPG2):c.2344_2347del (p.Arg782fs)

Gene: IMPG2 (interphotoreceptor matrix proteoglycan 2; minus strand). Cytogenetic location: 3q12.3.
Variant type: Microsatellite.
Coding change: c.2344_2347del on transcript NM_016247.4 (MANE Select); coding-DNA positions 2344 to 2347, 4 bases deleted (AGAG; older notation c.2344_2347delAGAG).
Protein change: p.Arg782fs; shifts the reading frame from arginine 782.
Molecular consequence: frameshift variant.
Genome position (GRCh38, 1-based): chr3:101,243,984-101,243,987, CTCT deleted on the plus strand (AGAG on the coding strand, the reverse complement: IMPG2 is on the minus strand); deleting any 4 consecutive bases within chr3:101,243,984-101,243,991 gives the same sequence; the c. name uses the placement nearest the transcript's 3' end. VCF-style (leftmost placement, unchanged base first): chr3-101243983-ACTCT-A. GRCh37 (hg19) VCF-style: chr3-100962827-ACTCT-A.
Other names: short protein forms R782fs.
Identifiers: ClinVar variation 3775663 (VCV003775663.1).

ClinVar aggregate classification (germline): Likely pathogenic (1 of 4 stars; one submission).

Conditions:
Retinitis pigmentosa 56 (RP56). Identifiers: Orphanet 791, MedGen C3150819, MONDO:0013314, OMIM 613581.

Submission:

3billion
Classification: Likely pathogenic for Retinitis pigmentosa 56. Last evaluated: 2023-07-26. Review status: criteria provided, single submitter. Criteria: ACMG Guidelines, 2015. Collection method: clinical testing. Allele origin: germline. Affected: yes.
Comment: The variant is not observed in the gnomAD v2.1.1 dataset. Predicted Consequence/Location: Frameshift: predicted to result in a loss or disruption of normal protein function through nonsense-mediated decay (NMD) or protein truncation. Multiple pathogenic variants are reported downstream of the variant. Therefore, this variant is classified as Likely pathogenic according to the recommendation of ACMG/AMP guideline.